The following is an entry in ClinVar:

ClinVar aggregate classification (germline): Pathogenic (1 of 4 stars; one submission).

Submission:

GeneDx
Classification: Pathogenic. Last evaluated: 2015-06-26. Review status: criteria provided, single submitter. Criteria: GeneDx Variant Classification (06012015). Collection method: clinical testing. Allele origin: germline. Affected: yes.
Comment: The c.751dupA duplication in the GPD1 gene has not been reported previously as a pathogenic variantnor as a benign polymorphism, to our knowledge. The c.751dupA duplication causes a frameshift startingwith codon Threonine 251, changes this amino acid to a Asparagine residue, and creates a premature Stopcodon at position 10 of the new reading frame, denoted p.Thr251AsnfsX10. This variant is predicted tocause loss of normal protein function either through protein truncation or nonsense-mediated mRNAdecay. The c.751dupA variant was not observed in approximately 6500 individuals of European andAfrican American ancestry in the NHLBI Exome Sequencing Project, indicating it is not a common benignvariant in these populations. We interpret c.751dupA as a pathogenic variant.

NM_005276.4(GPD1):c.751dup (p.Thr251fs)

Gene: GPD1 (glycerol-3-phosphate dehydrogenase 1; plus strand). Cytogenetic location: 12q13.12.
Variant type: Duplication.
Coding change: c.751dup on transcript NM_005276.4 (MANE Select); coding-DNA position 751, one base duplicated (A; older notation c.751dupA).
Protein change: p.Thr251fs; shifts the reading frame from threonine 251.
Molecular consequence: frameshift variant.
Genome position (GRCh38, 1-based): chr12:50,107,705, A duplicated. VCF-style (leftmost placement, unchanged base first): chr12-50107704-C-CA. GRCh37 (hg19) VCF-style: chr12-50501487-C-CA.
Other names: c.682dup, p.Thr228fs (NM_001257199.2); short protein forms T228fs, T251fs.
Identifiers: ClinVar variation 419206 (VCV000419206.2), dbSNP rs1555188332, ClinGen allele CA16619553.